The following is an entry in ClinVar:

NC_000023.11:g.(?_70023130)_(70035609_?)del

Gene: EDA (ectodysplasin A; plus strand). Cytogenetic location: Xq13.1.
Variant type: Deletion.
Identifiers: ClinVar variation 163308 (VCV000163308.4).

ClinVar aggregate classification (germline): Pathogenic (1 of 4 stars; one submission).

Conditions:
Hypohidrotic X-linked ectodermal dysplasia (XHED). Also called: Christ-Siemans-Touraine syndrome; ECTODERMAL DYSPLASIA, HYPOHIDROTIC, 1; CST SYNDROME; Ectodermal Dysplasia 1, Anhidrotic; ECTODERMAL DYSPLASIA 1, HYPOHIDROTIC/HAIR/TOOTH TYPE, X-LINKED; Anhidrotic ectodermal dysplasia X-linked. Identifiers: Orphanet 181, Orphanet 238468, MedGen C0162359, MONDO:0010585, OMIM 305100.

Submission:

Laboratory for Molecular Medicine, Mass General Brigham Personalized Medicine
Classification: Pathogenic for Hypohidrotic X-linked ectodermal dysplasia. Last evaluated: 2013-06-25. Review status: criteria provided, single submitter. Criteria: LMM Criteria. Collection method: clinical testing. Allele origin: germline. Inheritance: X-linked inheritance. Observed: 1 variant allele.
Comment: The deletion of exons 3 to 8 of the EDA has been reported in at least 3 males w ith X-linked hypohidrotic ectodermal dysplasia (XLHED; Lexner 2008, Gros 2010, S chneider 2011, Cluzeau 2011). In addition, other single or multiple exon deletio ns in the EDA gene have been reported in individuals with XLHED. This deletion i s expected to cause a loss of function of the EDA protein, consistent with an es tablished mechanism of pathogenicity in this disease. In summary, this variant m eets our criteria to be classified as pathogenic.

Literature cited by the submitters: PubMed 8696334; PubMed 11295832; PubMed 9736768; PubMed 9683615; PubMed 11378824; PubMed 20979233; PubMed 18510547; PubMed 18427821; PubMed 20374512; PubMed 21357618.